The following is an entry in ClinVar:

NM_001005498.4(RHBDF2):c.2371G>A (p.Val791Met)

Gene: RHBDF2 (rhomboid 5 homolog 2; minus strand). Cytogenetic location: 17q25.1.
Variant type: single nucleotide variant.
Coding change: c.2371G>A on transcript NM_001005498.4 (MANE Select); coding-DNA position 2371, G replaced by A.
Protein change: p.Val791Met; replaces valine 791 with methionine.
Molecular consequence: missense variant. On other transcripts: non-coding transcript variant (3).
Genome position (GRCh38, 1-based): chr17:76,471,746, C>T on the plus strand (G>A on the coding strand, the complement: RHBDF2 is on the minus strand). VCF-style: chr17-76471746-C-T. GRCh37 (hg19) VCF-style: chr17-74467828-C-T.
Other names: c.2371G>A, p.Val791Met (NM_001376228.1, NM_001376229.1, NM_001376230.1); c.2458G>A, p.Val820Met (NM_024599.5); short protein forms V791M, V820M.
Identifiers: ClinVar variation 2678361 (VCV002678361.5), dbSNP rs777048270, ClinGen allele CA8786676.
Genomic context (GRCh38, chr17:76,471,746, plus strand): 5'-GGAAGCAGGTGAGGTGCTCGATCCAGGGCCAGTTAATGGGGTAGATGTACAGCCACAGCA[C>T]GAGGGCGGCGAAGAGGCCGGCAAAGGCCAGCAGTGACACCAGGATGAGTGCCCGCTTGCG-3'
Protein context (NP_001005498.2, residues 781-801): LAFAGLFAAL[Val791Met]LWLYIYPINW

ClinVar aggregate classification (germline): Uncertain significance. Review status: criteria provided, multiple submitters, no conflicts (2 of 4 stars). 3 submissions from 3 submitters: Uncertain significance (3). Last evaluated 2025-11-24.

Conditions:
Palmoplantar keratoderma-esophageal carcinoma syndrome (TOC). Also called: Tylosis with Esophageal Cancer; PALMOPLANTAR KERATODERMA WITH ESOPHAGEAL CANCER; KERATOSIS PALMARIS ET PLANTARIS WITH ESOPHAGEAL CANCER. Identifiers: Orphanet 2198, MedGen C1835664, MONDO:0007856, OMIM 148500.
Inborn genetic diseases. Identifiers: MedGen C0950123, MeSH D030342.

Allele frequency attached by ClinVar (database versions not stated): gnomAD 0.00003; TOPMed 0.00003; gnomAD exomes 0.00001; ExAC 0.00004.
gnomAD v4.1: 22 of 1,610,358 alleles (0.0014%); highest among the groups gnomAD compares: Admixed American, 0.0084%; no homozygotes.

Submissions (3):

Ambry Genetics
Classification: Uncertain significance for Inborn genetic diseases. Last evaluated: 2025-11-24. Review status: criteria provided, single submitter. Criteria: Ambry Variant Classification Scheme 2023. Collection method: clinical testing. Allele origin: germline.

Labcorp Genetics (formerly Invitae), Labcorp
Classification: Uncertain significance. Last evaluated: 2025-01-14. Review status: criteria provided, single submitter. Criteria: Invitae Variant Classification Sherloc (09022015). Collection method: clinical testing. Allele origin: germline.
Comment: This sequence change replaces valine, which is neutral and non-polar, with methionine, which is neutral and non-polar, at codon 820 of the RHBDF2 protein (p.Val820Met). This variant is present in population databases (rs777048270, gnomAD 0.02%). This variant has not been reported in the literature in individuals affected with RHBDF2-related conditions. ClinVar contains an entry for this variant (Variation ID: 2678361). An algorithm developed to predict the effect of missense changes on protein structure and function (PolyPhen-2) suggests that this variant is likely to be disruptive. In summary, the available evidence is currently insufficient to determine the role of this variant in disease. Therefore, it has been classified as a Variant of Uncertain Significance.

Baylor Genetics
Classification: Uncertain significance for Palmoplantar keratoderma-esophageal carcinoma syndrome. Last evaluated: 2023-11-23. Review status: criteria provided, single submitter. Criteria: ACMG Guidelines, 2015. Collection method: clinical testing. Allele origin: unknown.